The following is an entry in ClinVar:

ClinVar aggregate classification (germline): Uncertain significance (1 of 4 stars; one submission).

Conditions:
EGFR-related lung cancer (EGFR). Identifiers: MedGen CN130014.

Submission:

Labcorp Genetics (formerly Invitae), Labcorp
Classification: Uncertain significance for EGFR-related lung cancer. Last evaluated: 2025-12-27. Review status: criteria provided, single submitter. Criteria: Invitae Variant Classification Sherloc (09022015). Collection method: clinical testing. Allele origin: germline.
Comment: This sequence change replaces glutamic acid, which is acidic and polar, with glycine, which is neutral and non-polar, at codon 543 of the EGFR protein (p.Glu543Gly). This variant is not present in population databases (gnomAD no frequency). This variant has not been reported in the literature in individuals affected with EGFR-related conditions. Invitae Evidence Modeling of protein sequence and biophysical properties (such as structural, functional, and spatial information, amino acid conservation, physicochemical variation, residue mobility, and thermodynamic stability) indicates that this missense variant is not expected to disrupt EGFR protein function with a negative predictive value of 80%. Algorithms developed to predict the effect of sequence changes on RNA splicing suggest that this variant may disrupt the consensus splice site. In summary, the available evidence is currently insufficient to determine the role of this variant in disease. Therefore, it has been classified as a Variant of Uncertain Significance.

NM_005228.5(EGFR):c.1628A>G (p.Glu543Gly)

Gene: EGFR (epidermal growth factor receptor; plus strand). Cytogenetic location: 7p11.2.
Variant type: single nucleotide variant.
Coding change: c.1628A>G on transcript NM_005228.5 (MANE Select); coding-DNA position 1628, A replaced by G.
Protein change: p.Glu543Gly; replaces glutamic acid 543 with glycine.
Molecular consequence: missense variant.
Genome position (GRCh38, 1-based): chr7:55,161,628, A>G. VCF-style: chr7-55161628-A-G. GRCh37 (hg19) VCF-style: chr7-55229321-A-G.
Other names: c.1493A>G, p.Glu498Gly (NM_001346897.2, NM_001346899.2); c.1628A>G, p.Glu543Gly (NM_001346898.2, NM_201282.2, NM_201284.2); c.1469A>G, p.Glu490Gly (NM_001346900.2); c.827A>G, p.Glu276Gly (NM_001346941.2); short protein forms E490G, E498G, E543G, E276G.
Identifiers: ClinVar variation 4744621 (VCV004744621.1).